The following is an entry in ClinVar:

ClinVar aggregate classification (germline): Uncertain significance. Review status: criteria provided, single submitter (1 of 4 stars). 2 submissions from 2 submitters: Uncertain significance (1). 1 of the submissions does not count toward it. Last evaluated 2023-07-10.

Conditions:
Usher syndrome type 2A. Also called: RETINAL DISEASE IN USHER SYNDROME TYPE IIA, MODIFIER OF; USHER SYNDROME, TYPE IIA. Identifiers: Orphanet 231178, Orphanet 886, MedGen C1848634, MONDO:0010169, OMIM 276901.

Submissions (2):

Labcorp Genetics (formerly Invitae), Labcorp
Classification: Uncertain significance. Last evaluated: 2023-07-10. Review status: criteria provided, single submitter. Criteria: Invitae Variant Classification Sherloc (09022015). Collection method: clinical testing. Allele origin: germline.
Comment: In summary, the available evidence is currently insufficient to determine the role of this variant in disease. Therefore, it has been classified as a Variant of Uncertain Significance. ClinVar contains an entry for this variant (Variation ID: 2017050). This variant has not been reported in the literature in individuals affected with USH2A-related conditions. This variant is not present in population databases (gnomAD no frequency). This variant, c.8748_8750dup, results in the insertion of 1 amino acid(s) of the USH2A protein (p.Thr2917dup), but otherwise preserves the integrity of the reading frame.

Natera, Inc.
Classification: Uncertain significance for Usher syndrome type 2A. Last evaluated: 2025-03-24. Review status: no assertion criteria provided. Collection method: clinical testing. Allele origin: germline. Not counted in ClinVar's aggregate classification.

NM_206933.4(USH2A):c.8748_8750dup (p.Thr2917_Val2918insThr)

Gene: USH2A (usherin; minus strand). Cytogenetic location: 1q41.
Variant type: Duplication.
Coding change: c.8748_8750dup on transcript NM_206933.4 (MANE Select); coding-DNA positions 8748 to 8750, 3 bases duplicated (GAC; older notation c.8748_8750dupGAC).
Protein change: p.Thr2917_Val2918insThr.
Molecular consequence: inframe insertion.
Genome position (GRCh38, 1-based): chr1:215,867,102-215,867,104, GTC duplicated on the plus strand (GAC on the coding strand, the reverse complement: USH2A is on the minus strand). VCF-style (leftmost placement, unchanged base first): chr1-215867101-A-AGTC. GRCh37 (hg19) VCF-style: chr1-216040443-A-AGTC.
Other names: c.8748_8750dup (NM_206933.2).
Identifiers: ClinVar variation 2017050 (VCV002017050.4), dbSNP rs2464682406, ClinGen allele CA2580062068.